The following is an entry in ClinVar:

NM_003072.5(SMARCA4):c.4376C>G (p.Thr1459Ser)

Gene: SMARCA4 (SWI/SNF related BAF chromatin remodeling complex subunit ATPase 4; plus strand). Cytogenetic location: 19p13.2.
Variant type: single nucleotide variant.
Coding change: c.4376C>G on transcript NM_003072.5 (MANE Select); coding-DNA position 4376, C replaced by G.
Protein change: p.Thr1459Ser; replaces threonine 1459 with serine.
Molecular consequence: missense variant. On other transcripts: non-coding transcript variant (1).
Genome position (GRCh38, 1-based): chr19:11,041,512, C>G. VCF-style: chr19-11041512-C-G. GRCh37 (hg19) VCF-style: chr19-11152188-C-G.
Other names: c.4376C>G, p.Thr1459Ser (NM_001128844.3); c.4286C>G, p.Thr1429Ser (NM_001128845.2, NM_001128846.2); c.4277C>G, p.Thr1426Ser (NM_001128847.4, NM_001128848.2, NM_001374457.1); c.4472C>G, p.Thr1491Ser (NM_001128849.3, NM_001387283.1); c.4373C>G, p.Thr1458Ser (NM_001411150.1); short protein forms T1426S, T1458S, T1429S, T1459S, T1491S.
Identifiers: ClinVar variation 2765967 (VCV002765967.3), dbSNP rs1555788341, ClinGen allele CA404074047.

ClinVar aggregate classification (germline): Uncertain significance (1 of 4 stars; one submission).

Conditions:
Rhabdoid tumor predisposition syndrome 2 (RTPS2). Identifiers: Orphanet 231108, Orphanet 69077, MedGen C2750074, MONDO:0013224, OMIM 613325.

Submission:

Labcorp Genetics (formerly Invitae), Labcorp
Classification: Uncertain significance for Rhabdoid tumor predisposition syndrome 2. Last evaluated: 2023-10-05. Review status: criteria provided, single submitter. Criteria: Invitae Variant Classification Sherloc (09022015). Collection method: clinical testing. Allele origin: germline.
Comment: This sequence change replaces threonine, which is neutral and polar, with serine, which is neutral and polar, at codon 1491 of the SMARCA4 protein (p.Thr1491Ser). This variant is not present in population databases (gnomAD no frequency). This variant has not been reported in the literature in individuals affected with SMARCA4-related conditions. Advanced modeling of protein sequence and biophysical properties (such as structural, functional, and spatial information, amino acid conservation, physicochemical variation, residue mobility, and thermodynamic stability) has been performed at Invitae for this missense variant, however the output from this modeling did not meet the statistical confidence thresholds required to predict the impact of this variant on SMARCA4 protein function. In summary, the available evidence is currently insufficient to determine the role of this variant in disease. Therefore, it has been classified as a Variant of Uncertain Significance.